The following is an entry in ClinVar:

NM_000081.4(LYST):c.7939A>G (p.Thr2647Ala)

Gene: LYST (lysosomal trafficking regulator; minus strand). Cytogenetic location: 1q42.3.
Variant type: single nucleotide variant.
Coding change: c.7939A>G on transcript NM_000081.4 (MANE Select); coding-DNA position 7939, A replaced by G.
Protein change: p.Thr2647Ala; replaces threonine 2647 with alanine.
Molecular consequence: missense variant.
Genome position (GRCh38, 1-based): chr1:235,746,369, T>C on the plus strand (A>G on the coding strand, the complement: LYST is on the minus strand). VCF-style: chr1-235746369-T-C. GRCh37 (hg19) VCF-style: chr1-235909669-T-C.
Other names: c.7939A>G, p.Thr2647Ala (NM_001301365.1); short protein forms T2647A.
Identifiers: ClinVar variation 3252161 (VCV003252161.15), dbSNP rs1665927561.

ClinVar aggregate classification (germline): Uncertain significance. Review status: criteria provided, multiple submitters, no conflicts (2 of 4 stars). 3 submissions from 3 submitters: Uncertain significance (3). Last evaluated 2025-01-01.

Conditions:
Inborn genetic diseases. Identifiers: MedGen C0950123, MeSH D030342.

Allele frequency attached by ClinVar (database versions not stated): TOPMed below 0.00001; gnomAD 0.00001; gnomAD exomes 0.00002.
gnomAD v4.1: 15 of 1,613,838 alleles (0.00093%); highest among the groups gnomAD compares: Non-Finnish European, 0.0012%; no homozygotes.

Submissions (3):

CeGaT Center for Human Genetics Tuebingen
Classification: Uncertain significance. Last evaluated: 2025-01-01. Review status: criteria provided, single submitter. Criteria: CeGaT Center For Human Genetics Tuebingen Variant Classification Criteria Version 2. Collection method: clinical testing. Allele origin: germline. Affected: yes. Observed: 1 variant allele.
Comment: LYST: PM2, BP4

Ambry Genetics
Classification: Uncertain significance for Inborn genetic diseases. Last evaluated: 2024-11-12. Review status: criteria provided, single submitter. Criteria: Ambry Variant Classification Scheme 2023. Collection method: clinical testing. Allele origin: germline.

GeneDx
Classification: Uncertain significance. Last evaluated: 2023-08-01. Review status: criteria provided, single submitter. Criteria: GeneDx Variant Classification Process June 2021. Collection method: clinical testing. Allele origin: germline. Affected: yes.
Comment: Not observed at significant frequency in large population cohorts (gnomAD); In silico analysis supports that this missense variant does not alter protein structure/function; Has not been previously published as pathogenic or benign to our knowledge